The following is an entry in ClinVar:

NM_001384125.1(BLTP1):c.11904T>C (p.Asp3968=)

Gene: BLTP1 (bridge-like lipid transfer protein family member 1; plus strand). Cytogenetic location: 4q27.
Variant type: single nucleotide variant.
Coding change: c.11904T>C on transcript NM_001384125.1 (MANE Select); coding-DNA position 11904, T replaced by C.
Protein change: p.Asp3968=; no amino-acid change (aspartic acid 3968 retained).
Molecular consequence: synonymous variant.
Genome position (GRCh38, 1-based): chr4:122,333,803, T>C. VCF-style: chr4-122333803-T-C. GRCh37 (hg19) VCF-style: chr4-123254958-T-C.
Other names: c.11640T>C, p.Asp3880= (NM_015312.4).
Identifiers: ClinVar variation 3030381 (VCV003030381.2), dbSNP rs746473253, ClinGen allele CA3067866.

ClinVar aggregate classification (germline): Likely benign (0 of 4 stars; one submission).

Conditions:
BLTP1-related disorder. Also called: BLTP1-related condition.

Allele frequency attached by ClinVar (database versions not stated): gnomAD 0.00001; TOPMed 0.00002; ExAC 0.00003.
gnomAD v4.1: 23 of 1,607,958 alleles (0.0014%); highest among the groups gnomAD compares: South Asian, 0.016%; no homozygotes.

Submission:

PreventionGenetics, part of Exact Sciences
Classification: Likely benign for BLTP1-related condition. Last evaluated: 2020-12-01. Review status: no assertion criteria provided. Collection method: clinical testing. Allele origin: germline.
Comment: This variant is classified as likely benign based on ACMG/AMP sequence variant interpretation guidelines (Richards et al. 2015 PMID: 25741868, with internal and published modifications).